The following is an entry in ClinVar:

NM_000548.5(TSC2):c.2880T>C (p.Ser960=)

Gene: TSC2 (TSC complex subunit 2; plus strand). Cytogenetic location: 16p13.3.
Variant type: single nucleotide variant.
Coding change: c.2880T>C on transcript NM_000548.5 (MANE Select); coding-DNA position 2880, T replaced by C.
Protein change: p.Ser960=; no amino-acid change (serine 960 retained).
Molecular consequence: synonymous variant. On other transcripts: intron variant (31).
Genome position (GRCh38, 1-based): chr16:2,077,640, T>C. VCF-style: chr16-2077640-T-C. GRCh37 (hg19) VCF-style: chr16-2127641-T-C.
Other names: c.2880T>C, p.Ser960= (NM_001114382.3, NM_001406663.1, NM_001406664.1); c.2769T>C, p.Ser923= (NM_001406670.1); c.2733T>C, p.Ser911= (NM_001406675.1, NM_001406676.1); c.2280T>C, p.Ser760= (NM_001406680.1, NM_001406682.1, NM_001406683.1 and 1 more transcripts); c.1536T>C, p.Ser512= (NM_001406689.1); c.1493+1055T>C (NM_001406693.1, NM_001406690.1, NM_001406692.1 and 5 more transcripts); c.2927+1055T>C (NM_001406667.1, NM_001406668.1); c.2237+1055T>C (NM_001406687.1, NM_001406685.1, NM_001318831.2 and 2 more transcripts); and 8 more.
Identifiers: ClinVar variation 4085769 (VCV004085769.8).

ClinVar aggregate classification (germline): Likely benign (1 of 4 stars; one submission).

Submission:

CeGaT Center for Human Genetics Tuebingen
Classification: Likely benign. Last evaluated: 2025-08-01. Review status: criteria provided, single submitter. Criteria: CeGaT Center For Human Genetics Tuebingen Variant Classification Criteria Version 2. Collection method: clinical testing. Allele origin: germline. Affected: yes. Observed: 1 variant allele.
Comment: TSC2: PM2:Supporting, BP4, BP7